The following is an entry in ClinVar:

ClinVar aggregate classification (germline): Conflicting classifications of pathogenicity. Review status: criteria provided, conflicting classifications (1 of 4 stars). 8 submissions from 8 submitters: Uncertain significance (5); Benign (2). 1 of the submissions does not count toward it. Last evaluated 2026-07-06.

Conditions:
Brain small vessel disease 1 with or without ocular anomalies (BSVD1). Also called: PORENCEPHALY, TYPE 1, AUTOSOMAL DOMINANT; GOULD SYNDROME 1; BRAIN SMALL VESSEL DISEASE WITH HEMORRHAGE; Brain small vessel disease with or without ocular anomalies. Identifiers: Orphanet 2940, Orphanet 36383, Orphanet 99810, MedGen C4755307, MONDO:0008289, OMIM 175780.
COL4A1-related disorder. Also called: COL4A1-related condition; COL4A1-related disorders. Identifiers: MedGen CN376119, MONDO:0800461.
Hemorrhage, intracerebral, susceptibility to (ICH). Also called: Stroke, hemorrhagic, susceptibility to. Identifiers: MedGen C3281105, MONDO:0100533, OMIM 614519.
Autosomal dominant familial hematuria-retinal arteriolar tortuosity-contractures syndrome. Also called: Angiopathy, hereditary, with nephropathy, aneurysms, and muscle cramps; Hereditary Angiopathy with Nephropathy, Aneurysms, and Muscle Cramps (HANAC) Syndrome. Identifiers: Orphanet 73229, MedGen C2673195, MONDO:0012726, OMIM 611773.

Allele frequency attached by ClinVar (database versions not stated): gnomAD 0.00003; gnomAD exomes 0.00005; ExAC 0.00007; ESP Exome Variant Server 0.00008; 1000 Genomes Project 0.00040; TOPMed 0.00043; 1000 Genomes Project 30x 0.00047.
gnomAD v4.1: 66 of 1,614,104 alleles (0.0041%); highest among the groups gnomAD compares: Admixed American, 0.058%; no homozygotes.

Submissions (8):

PreventionGenetics, part of Exact Sciences
Classification: Uncertain significance for COL4A1-related condition. Last evaluated: 2026-07-06. Review status: criteria provided, single submitter. Criteria: ACMG Guidelines, 2015. Collection method: clinical testing. Allele origin: germline.
Comment: The COL4A1 c.1055C>T variant is predicted to result in the amino acid substitution p.Pro352Leu. This variant has been reported in two individuals with late-onset intracerebral hemorrhage and in an individual with hypertension and migraine with aura (Weng et al. 2012. PubMed ID: 22522439; Tan et al. 2019. PubMed ID: 31719132; Liu et al. 2022. PubMed ID: 35711275). Functional studies showed this variant results in impaired COL4A1 secretion (Weng et al. 2012. PubMed ID: 22522439). This variant is reported in 0.017% of alleles in individuals of Latino descent in gnomAD. At this time, the clinical significance of this variant is uncertain due to the absence of conclusive functional and genetic evidence.

Labcorp Genetics (formerly Invitae), Labcorp
Classification: Benign. Last evaluated: 2026-01-20. Review status: criteria provided, single submitter. Criteria: Invitae Variant Classification Sherloc (09022015). Collection method: clinical testing. Allele origin: germline.

GeneDx
Classification: Uncertain significance. Last evaluated: 2024-03-12. Review status: criteria provided, single submitter. Criteria: GeneDx Variant Classification Process June 2021. Collection method: clinical testing. Allele origin: germline. Affected: yes.
Comment: Identified in patients with small vessel disease and intracranial hemorrhage in published literature (PMID: 22522439, 31719132, 35711275, Aref2024[article]); Functional studies suggest that p.(P352L) results in reduced ratio of extracelluar to intracellular COL4A1 compared to controls (PMID: 22522439); In silico analysis supports that this missense variant has a deleterious effect on protein structure/function; This variant is associated with the following publications: (PMID: 29114093, 31857254, 34382650, Kiss2019, 22914737, 30518145, 22522439, 34426522, Aref2024[article], 31719132, 35711275, 30476936)

Blueprint Genetics
Classification: Uncertain significance. Last evaluated: 2021-10-11. Review status: criteria provided, single submitter. Criteria: ACMG Guidelines, 2015. Collection method: clinical testing. Allele origin: germline.

New York Genome Center
Classification: Uncertain significance for Brain small vessel disease 1 with or without ocular anomalies. Last evaluated: 2020-06-05. Review status: criteria provided, single submitter. Criteria: NYGC Assertion Criteria 2020. Collection method: clinical testing. Allele origin: inherited. Observed: 1 heterozygote. Study: CSER-NYCKidSeq.

Mendelics
Classification: Benign for Autosomal dominant familial hematuria-retinal arteriolar tortuosity-contractures syndrome. Last evaluated: 2019-05-28. Review status: criteria provided, single submitter. Criteria: Mendelics Assertion Criteria 2017. Collection method: clinical testing. Allele origin: unknown.

Athena Diagnostics
Classification: Uncertain significance. Last evaluated: 2018-03-08. Review status: criteria provided, single submitter. Criteria: Athena Diagnostics Criteria. Collection method: clinical testing. Allele origin: germline.

OMIM
Classification: risk factor for HEMORRHAGE, INTRACEREBRAL, SUSCEPTIBILITY TO. Last evaluated: 2012-04-01. Review status: no assertion criteria provided. Collection method: literature only. Allele origin: germline. Not counted in ClinVar's aggregate classification.

Literature cited by the submitters: PubMed 22522439 (cited by Athena Diagnostics and OMIM).

NM_001845.6(COL4A1):c.1055C>T (p.Pro352Leu)

Gene: COL4A1 (collagen type IV alpha 1 chain; minus strand). Cytogenetic location: 13q34.
Variant type: single nucleotide variant.
Coding change: c.1055C>T on transcript NM_001845.6 (MANE Select); coding-DNA position 1055, C replaced by T.
Protein change: p.Pro352Leu; replaces proline 352 with leucine.
Molecular consequence: missense variant.
Genome position (GRCh38, 1-based): chr13:110,201,467, G>A on the plus strand (C>T on the coding strand, the complement: COL4A1 is on the minus strand). VCF-style: chr13-110201467-G-A. GRCh37 (hg19) VCF-style: chr13-110853814-G-A.
Other names: c.1055C>T, p.Pro352Leu (NM_001303110.2); short protein forms P352L.
Identifiers: ClinVar variation 39863 (VCV000039863.20), dbSNP rs200786329, ClinGen allele CA130652.